The following is an entry in ClinVar:

NM_173582.6(PGM2L1):c.1779A>G (p.Leu593=)

Gene: PGM2L1 (phosphoglucomutase 2 like 1; minus strand). Cytogenetic location: 11q13.4.
Variant type: single nucleotide variant.
Coding change: c.1779A>G on transcript NM_173582.6 (MANE Select); coding-DNA position 1779, A replaced by G.
Protein change: p.Leu593=; no amino-acid change (leucine 593 retained).
Molecular consequence: synonymous variant.
Genome position (GRCh38, 1-based): chr11:74,336,742, T>C on the plus strand (A>G on the coding strand, the complement: PGM2L1 is on the minus strand). VCF-style: chr11-74336742-T-C. GRCh37 (hg19) VCF-style: chr11-74047787-T-C.
Identifiers: ClinVar variation 4872541 (VCV004872541.2).

ClinVar aggregate classification (germline): Likely benign (1 of 4 stars; one submission).

gnomAD v4.1: 2 of 1,605,726 alleles (0.00012%); highest among the groups gnomAD compares: Non-Finnish European, 0.00017%; no homozygotes.

Submission:

CeGaT Center for Human Genetics Tuebingen
Classification: Likely benign. Last evaluated: 2026-03-01. Review status: criteria provided, single submitter. Criteria: CeGaT Center For Human Genetics Tuebingen Variant Classification Criteria Version 2. Collection method: clinical testing. Allele origin: germline. Affected: yes. Observed: 1 variant allele.
Comment: PGM2L1: BP4, BP7